The following is an entry in ClinVar:

ClinVar aggregate classification (germline): Uncertain significance. Review status: criteria provided, multiple submitters, no conflicts (2 of 4 stars). 3 submissions from 3 submitters: Uncertain significance (3). Last evaluated 2023-08-03.

Conditions:
Hereditary cancer-predisposing syndrome. Also called: Hereditary neoplastic syndrome; Neoplastic Syndromes, Hereditary; Hereditary Cancer Syndrome; Tumor predisposition. Identifiers: Orphanet 140162, MedGen C0027672, MeSH D009386, MONDO:0015356.
Oligodontia-cancer predisposition syndrome. Also called: TOOTH AGENESIS-COLORECTAL CANCER SYNDROME. Identifiers: Orphanet 300576, MedGen C1837750, MONDO:0012075, OMIM 608615. Disease mechanism: loss of function.

Allele frequency attached by ClinVar (database versions not stated): gnomAD exomes 0.00001; TOPMed 0.00001.
gnomAD v4.1: 14 of 1,614,066 alleles (0.00087%); highest among the groups gnomAD compares: Non-Finnish European, 0.0011%; no homozygotes.

Submissions (3):

Ambry Genetics
Classification: Uncertain significance for Hereditary cancer-predisposing syndrome. Last evaluated: 2023-08-03. Review status: criteria provided, single submitter. Criteria: Ambry Variant Classification Scheme 2023. Collection method: clinical testing. Allele origin: germline.
Comment: The p.P744L variant (also known as c.2231C>T), located in coding exon 8 of the AXIN2 gene, results from a C to T substitution at nucleotide position 2231. The proline at codon 744 is replaced by leucine, an amino acid with similar properties. This amino acid position is conserved. In addition, this alteration is predicted to be tolerated by in silico analysis. Since supporting evidence is limited at this time, the clinical significance of this alteration remains unclear.

GeneDx
Classification: Uncertain significance. Last evaluated: 2023-06-29. Review status: criteria provided, single submitter. Criteria: GeneDx Variant Classification Process June 2021. Collection method: clinical testing. Allele origin: germline. Affected: yes.
Comment: Not observed at significant frequency in large population cohorts (gnomAD); In silico analysis supports that this missense variant does not alter protein structure/function; Has not been previously published as pathogenic or benign to our knowledge

Labcorp Genetics (formerly Invitae), Labcorp
Classification: Uncertain significance for Oligodontia-cancer predisposition syndrome. Last evaluated: 2023-03-08. Review status: criteria provided, single submitter. Criteria: Invitae Variant Classification Sherloc (09022015). Collection method: clinical testing. Allele origin: germline.
Comment: In summary, the available evidence is currently insufficient to determine the role of this variant in disease. Therefore, it has been classified as a Variant of Uncertain Significance. Algorithms developed to predict the effect of missense changes on protein structure and function output the following: SIFT: "Not Available"; PolyPhen-2: "Benign"; Align-GVGD: "Not Available". The leucine amino acid residue is found in multiple mammalian species, which suggests that this missense change does not adversely affect protein function. ClinVar contains an entry for this variant (Variation ID: 658798). This variant has not been reported in the literature in individuals affected with AXIN2-related conditions. This variant is present in population databases (no rsID available, gnomAD 0.002%). This sequence change replaces proline, which is neutral and non-polar, with leucine, which is neutral and non-polar, at codon 744 of the AXIN2 protein (p.Pro744Leu).

NM_004655.4(AXIN2):c.2231C>T (p.Pro744Leu)

Gene: AXIN2 (axin 2; minus strand). Cytogenetic location: 17q24.1.
Variant type: single nucleotide variant.
Coding change: c.2231C>T on transcript NM_004655.4 (MANE Select); coding-DNA position 2231, C replaced by T.
Protein change: p.Pro744Leu; replaces proline 744 with leucine.
Molecular consequence: missense variant.
Genome position (GRCh38, 1-based): chr17:65,535,632, G>A on the plus strand (C>T on the coding strand, the complement: AXIN2 is on the minus strand). VCF-style: chr17-65535632-G-A. GRCh37 (hg19) VCF-style: chr17-63531750-G-A.
Other names: c.2231C>T (LRG_296t1); c.2036C>T, p.Pro679Leu (NM_001363813.1); short protein forms P744L, P679L.
Identifiers: ClinVar variation 658798 (VCV000658798.10), dbSNP rs1228679390, ClinGen allele CA400675707.